The following is an entry in ClinVar:

ClinVar aggregate classification (germline): Uncertain significance (1 of 4 stars; one submission).

Conditions:
Glutamate formiminotransferase deficiency. Also called: Arakawa syndrome 1; Formiminoglutamic aciduria. Identifiers: Orphanet 51208, MedGen C0268609, MONDO:0009240, OMIM 229100.

Allele frequency attached by ClinVar (database versions not stated): gnomAD 0.00003 and 0.00009; TOPMed 0.00006; gnomAD exomes 0.00007; ExAC 0.00043; 1000 Genomes Project 30x 0.00062; 1000 Genomes Project 0.00080.
gnomAD v4.1: 77 of 1,549,044 alleles (0.005%); highest among the groups gnomAD compares: Admixed American, 0.029%; no homozygotes.

Submission:

Labcorp Genetics (formerly Invitae), Labcorp
Classification: Uncertain significance for Glutamate formiminotransferase deficiency. Last evaluated: 2025-06-12. Review status: criteria provided, single submitter. Criteria: Invitae Variant Classification Sherloc (09022015). Collection method: clinical testing. Allele origin: germline.
Comment: This sequence change replaces arginine, which is basic and polar, with cysteine, which is neutral and slightly polar, at codon 84 of the FTCD protein (p.Arg84Cys). This variant is present in population databases (rs576603499, gnomAD 0.02%). This variant has not been reported in the literature in individuals affected with FTCD-related conditions. ClinVar contains an entry for this variant (Variation ID: 2200279). Invitae Evidence Modeling of protein sequence and biophysical properties (such as structural, functional, and spatial information, amino acid conservation, physicochemical variation, residue mobility, and thermodynamic stability) indicates that this missense variant is expected to disrupt FTCD protein function with a positive predictive value of 80%. In summary, the available evidence is currently insufficient to determine the role of this variant in disease. Therefore, it has been classified as a Variant of Uncertain Significance.

NM_206965.2(FTCD):c.250C>T (p.Arg84Cys)

Gene: FTCD (formimidoyltransferase cyclodeaminase; minus strand). Cytogenetic location: 21q22.3.
Variant type: single nucleotide variant.
Coding change: c.250C>T on transcript NM_206965.2 (MANE Select); coding-DNA position 250, C replaced by T.
Protein change: p.Arg84Cys; replaces arginine 84 with cysteine.
Molecular consequence: missense variant.
Genome position (GRCh38, 1-based): chr21:46,153,024, G>A on the plus strand (C>T on the coding strand, the complement: FTCD is on the minus strand). VCF-style: chr21-46153024-G-A. GRCh37 (hg19) VCF-style: chr21-47572938-G-A.
Other names: c.250C>T, p.Arg84Cys (NM_001320412.2, NM_006657.3); short protein forms R84C.
Identifiers: ClinVar variation 2200279 (VCV002200279.4), dbSNP rs576603499, ClinGen allele CA10073988.